The following is an entry in ClinVar:

NM_014334.4(FRRS1L):c.58C>A (p.Leu20Met)

Gene: FRRS1L (ferric chelate reductase 1 like; minus strand). Cytogenetic location: 9q31.3.
Variant type: single nucleotide variant.
Coding change: c.58C>A on transcript NM_014334.4 (MANE Select); coding-DNA position 58, C replaced by A.
Protein change: p.Leu20Met; replaces leucine 20 with methionine.
Molecular consequence: missense variant.
Genome position (GRCh38, 1-based): chr9:109,167,081, G>T on the plus strand (C>A on the coding strand, the complement: FRRS1L is on the minus strand). VCF-style: chr9-109167081-G-T. GRCh37 (hg19) VCF-style: chr9-111929361-G-T.
Other names: short protein forms L20M.
Identifiers: ClinVar variation 2105649 (VCV002105649.4), dbSNP rs2118523590, ClinGen allele CA374430587.

ClinVar aggregate classification (germline): Uncertain significance (1 of 4 stars; one submission).

Conditions:
Developmental and epileptic encephalopathy, 37 (DEE37). Also called: Epileptic encephalopathy, early infantile, 37. Identifiers: MedGen C4310770, MONDO:0014859, OMIM 616981.

Submission:

Labcorp Genetics (formerly Invitae), Labcorp
Classification: Uncertain significance for Developmental and epileptic encephalopathy, 37. Last evaluated: 2022-03-02. Review status: criteria provided, single submitter. Criteria: Invitae Variant Classification Sherloc (09022015). Collection method: clinical testing. Allele origin: germline.
Comment: This sequence change replaces leucine, which is neutral and non-polar, with methionine, which is neutral and non-polar, at codon 71 of the FRRS1L protein (p.Leu71Met). The frequency data for this variant in the population databases is considered unreliable, as metrics indicate insufficient coverage at this position in the gnomAD database. This variant has not been reported in the literature in individuals affected with FRRS1L-related conditions. Algorithms developed to predict the effect of missense changes on protein structure and function are either unavailable or do not agree on the potential impact of this missense change (SIFT: "Tolerated"; PolyPhen-2: "Possibly Damaging"; Align-GVGD: "Class C0"). In summary, the available evidence is currently insufficient to determine the role of this variant in disease. Therefore, it has been classified as a Variant of Uncertain Significance.